The following is an entry in ClinVar:

NM_022489.4(INF2):c.272G>T (p.Arg91Leu)

Gene: INF2 (inverted formin 2; plus strand). Cytogenetic location: 14q32.33.
Variant type: single nucleotide variant.
Coding change: c.272G>T on transcript NM_022489.4 (MANE Select); coding-DNA position 272, G replaced by T.
Protein change: p.Arg91Leu; replaces arginine 91 with leucine.
Molecular consequence: missense variant.
Genome position (GRCh38, 1-based): chr14:104,701,637, G>T. VCF-style: chr14-104701637-G-T. GRCh37 (hg19) VCF-style: chr14-105167974-G-T.
Other names: c.272G>T, p.Arg91Leu (NM_001031714.4, NM_001426862.1, NM_001426863.1 and 6 more transcripts); short protein forms R91L.
Identifiers: ClinVar variation 2948965 (VCV002948965.3), dbSNP rs2504232805, ClinGen allele CA391225711.
Genomic context (GRCh38, chr14:104,701,637, plus strand): 5'-AGAGCGGCCTGGACCTGCTGCTGGAGGCGCTGGCGCGGCTGTCGGGCCGCGGCGTTGCAC[G>T]TATCTCCGACGCCCTGCTGCAGCTCACCTGCGTCAGCTGCGTGCGCGCCGTCATGAACTC-3'
Protein context (NP_071934.3, residues 81-101): LARLSGRGVA[Arg91Leu]ISDALLQLTC

ClinVar aggregate classification (germline): Uncertain significance (1 of 4 stars; one submission).

Conditions:
Focal segmental glomerulosclerosis 5 (FSGS5). Identifiers: Orphanet 656, MedGen C2750475, MONDO:0013191, OMIM 613237.
Charcot-Marie-Tooth disease dominant intermediate E. Also called: CHARCOT-MARIE-TOOTH NEUROPATHY WITH FOCAL SEGMENTAL GLOMERULONEPHRITIS. Identifiers: Orphanet 93114, MedGen C4302667, MONDO:0013758, OMIM 614455.

Submission:

Labcorp Genetics (formerly Invitae), Labcorp
Classification: Uncertain significance for Charcot-Marie-Tooth disease dominant intermediate E; Focal segmental glomerulosclerosis 5. Last evaluated: 2023-06-17. Review status: criteria provided, single submitter. Criteria: Invitae Variant Classification Sherloc (09022015). Collection method: clinical testing. Allele origin: germline.
Comment: In summary, the available evidence is currently insufficient to determine the role of this variant in disease. Therefore, it has been classified as a Variant of Uncertain Significance. This variant disrupts the p.Arg91 amino acid residue in INF2. Other variant(s) that disrupt this residue have been determined to be pathogenic (PMID: 30680856; Invitae). This suggests that this residue is clinically significant, and that variants that disrupt this residue are likely to be disease-causing. Advanced modeling of protein sequence and biophysical properties (such as structural, functional, and spatial information, amino acid conservation, physicochemical variation, residue mobility, and thermodynamic stability) has been performed at Invitae for this missense variant, however the output from this modeling did not meet the statistical confidence thresholds required to predict the impact of this variant on INF2 protein function. This variant has not been reported in the literature in individuals affected with INF2-related conditions. This variant is not present in population databases (gnomAD no frequency). This sequence change replaces arginine, which is basic and polar, with leucine, which is neutral and non-polar, at codon 91 of the INF2 protein (p.Arg91Leu).

Literature cited by the submitters: PubMed 30680856.